The following is an entry in ClinVar:

NM_017649.5(CNNM2):c.*1162G>A

Gene: CNNM2 (cyclin and CBS domain divalent metal cation transport mediator 2; plus strand). Cytogenetic location: 10q24.32.
Variant type: single nucleotide variant.
Coding change: c.*1162G>A on transcript NM_017649.5 (MANE Select); 1162 bases downstream of the stop codon, G replaced by A.
Molecular consequence: 3 prime UTR variant.
Genome position (GRCh38, 1-based): chr10:103,078,342, G>A. VCF-style: chr10-103078342-G-A. GRCh37 (hg19) VCF-style: chr10-104838099-G-A.
Other names: c.*1162G>A (NM_199076.3).
Identifiers: ClinVar variation 298668 (VCV000298668.6), dbSNP rs148051463, ClinGen allele CA10627981.
Genomic context (GRCh38, chr10:103,078,342, plus strand): 5'-ACTTTGGGGATTGCCAGCCCCTGCTCCTCCTCCCAGGGAGCCAACTGTCCCTCCTCCCCT[G>A]TCCCTGGGCCCATGGGGCCCGGCAGTGGCTGTGTCCCCTGCCTGAGGGCTCTGTGCCTCC-3'

ClinVar aggregate classification (germline): Benign/Likely benign. Review status: criteria provided, multiple submitters, no conflicts (2 of 4 stars). 2 submissions from 2 submitters: Benign (1); Likely benign (1). Last evaluated 2026-05-25.

Conditions:
Renal hypomagnesemia 6. Identifiers: Orphanet 34527, MedGen C3151295, MONDO:0013480, OMIM 613882.

Allele frequency attached by ClinVar (database versions not stated): gnomAD 0.00014 and 0.00021; TOPMed 0.00020; 1000 Genomes Project 0.00160; 1000 Genomes Project 30x 0.00187.

Submissions (2):

Revvity Omics, Revvity
Classification: Likely benign. Last evaluated: 2026-05-25. Review status: criteria provided, single submitter. Criteria: ACMG Guidelines, 2015. Collection method: clinical testing. Allele origin: germline.

Illumina Laboratory Services, Illumina
Classification: Benign for Renal hypomagnesemia 6. Last evaluated: 2018-01-12. Review status: criteria provided, single submitter. Criteria: ICSL Variant Classification Criteria 13 December 2019. Collection method: clinical testing. Allele origin: germline.
Comment: This variant was observed in the ICSL laboratory as part of a predisposition screen in an ostensibly healthy population. It had not been previously curated by ICSL or reported in the Human Gene Mutation Database (HGMD: prior to June 1st, 2018), and was therefore a candidate for classification through an automated scoring system. Utilizing variant allele frequency, disease prevalence and penetrance estimates, and inheritance mode, an automated score was calculated to assess if this variant is too frequent to cause the disease. Based on the score and internal cut-off values, a variant classified as benign is not then subjected to further curation. The score for this variant resulted in a classification of benign for this disease.